The following is an entry in ClinVar:

ClinVar aggregate classification (germline): Pathogenic. Review status: criteria provided, multiple submitters, no conflicts (2 of 4 stars). 2 submissions from 2 submitters: Pathogenic (2). Last evaluated 2023-10-17.

Conditions:
Rhabdoid tumor predisposition syndrome 2 (RTPS2). Identifiers: Orphanet 231108, Orphanet 69077, MedGen C2750074, MONDO:0013224, OMIM 613325.
Hereditary cancer-predisposing syndrome. Also called: Hereditary Cancer Syndrome; Neoplastic Syndromes, Hereditary; Hereditary neoplastic syndrome; Tumor predisposition. Identifiers: Orphanet 140162, MedGen C0027672, MeSH D009386, MONDO:0015356.

Submissions (2):

Labcorp Genetics (formerly Invitae), Labcorp
Classification: Pathogenic for Rhabdoid tumor predisposition syndrome 2. Last evaluated: 2023-10-17. Review status: criteria provided, single submitter. Criteria: Invitae Variant Classification Sherloc (09022015). Collection method: clinical testing. Allele origin: germline.
Comment: This sequence change creates a premature translational stop signal (p.Asn519Argfs*14) in the SMARCA4 gene. It is expected to result in an absent or disrupted protein product. Loss-of-function variants in SMARCA4 are known to be pathogenic (PMID: 24658001, 24658002). This variant is not present in population databases (gnomAD no frequency). This variant has not been reported in the literature in individuals affected with SMARCA4-related conditions. For these reasons, this variant has been classified as Pathogenic.

Ambry Genetics
Classification: Pathogenic for Hereditary cancer-predisposing syndrome. Last evaluated: 2023-08-09. Review status: criteria provided, single submitter. Criteria: Ambry Variant Classification Scheme 2023. Collection method: clinical testing. Allele origin: germline.
Comment: The c.1554_1555delGA variant, located in coding exon 8 of the SMARCA4 gene, results from a deletion of two nucleotides at nucleotide positions 1554 to 1555, causing a translational frameshift with a predicted alternate stop codon (p.N519Rfs*14). This variant is considered to be rare based on population cohorts in the Genome Aggregation Database (gnomAD). This alteration has been observed in at least one individual with a personal and/or family history that is consistent with rhabdoid tumor predisposition syndrome-related disease (Ambry internal data). Loss-of-function variants in SMARCA4 are known to cause rhabdoid tumor predisposition syndrome including small cell carcinoma of the ovary-hypercalcemic type (SCCOHT); however, such associations with neurodevelopmental disorders are exceedingly rare (Kosho T et al. Am J Med Genet C Semin Med Genet. 2014 Sep;166C(3):262-75; Jelinic P et al. Nat Genet. 2014 May;46(5):424-6). This alteration is expected to result in loss of function by premature protein truncation or nonsense-mediated mRNA decay. Based on the supporting evidence, this alteration is pathogenic for rhabdoid tumor predisposition syndrome; however, the association of this alteration with Coffin-Siris syndrome is unlikely.

Literature cited by the submitters: PubMed 24658001 (cited by Labcorp Genetics (formerly Invitae), Labcorp); PubMed 24658002 (cited by Labcorp Genetics (formerly Invitae), Labcorp).

NM_003072.5(SMARCA4):c.1554_1555del (p.Asn519fs)

Gene: SMARCA4 (SWI/SNF related BAF chromatin remodeling complex subunit ATPase 4; plus strand). Cytogenetic location: 19p13.2.
Variant type: Microsatellite.
Coding change: c.1554_1555del on transcript NM_003072.5 (MANE Select); coding-DNA positions 1554 to 1555, 2 bases deleted (GA; older notation c.1554_1555delGA).
Protein change: p.Asn519fs; shifts the reading frame from asparagine 519.
Molecular consequence: frameshift variant. On other transcripts: non-coding transcript variant (1).
Genome position (GRCh38, 1-based): chr19:10,994,962-10,994,963, GA deleted; deleting any 2 consecutive bases within chr19:10,994,959-10,994,963 gives the same sequence; the c. name uses the placement nearest the transcript's 3' end. VCF-style (leftmost placement, unchanged base first): chr19-10994958-AAG-A. GRCh37 (hg19) VCF-style: chr19-11105634-AAG-A.
Other names: c.1554_1555del, p.Asn519fs (NM_001128844.3, NM_001128845.2, NM_001128846.2 and 5 more transcripts); c.1552_1553GA[1], p.Asn519Argfs (NM_001411150.1); c.1554_1555delGA (NM_001128849.1); short protein forms N519fs.
Identifiers: ClinVar variation 2013610 (VCV002013610.6), dbSNP rs2514253574, ClinGen allele CA2580613054.